The following is an entry in ClinVar:

ClinVar aggregate classification (germline): Conflicting classifications of pathogenicity. Review status: criteria provided, conflicting classifications (1 of 4 stars). 4 submissions from 4 submitters: Uncertain significance (1); Benign (2); Likely benign (1). Last evaluated 2026-03-21.

Conditions:
TTC19-related disorder. Also called: TTC19-related condition.
Mitochondrial complex III deficiency nuclear type 2. Identifiers: MedGen C3554605, MONDO:0014063, OMIM 615157.

Allele frequency attached by ClinVar (database versions not stated): gnomAD 0.00128; TOPMed 0.00136; 1000 Genomes Project 0.00359; 1000 Genomes Project 30x 0.00406.
gnomAD v4.1: 1,399 of 1,520,784 alleles (0.092%); highest among the groups gnomAD compares: East Asian, 2.4%; 23 homozygotes.

Submissions (5):

PreventionGenetics, part of Exact Sciences
Classification: Benign for TTC19-related condition. Last evaluated: 2026-03-21. Review status: criteria provided, single submitter. Criteria: ACMG Guidelines, 2015. Collection method: clinical testing. Allele origin: germline.
Comment: This variant is classified as benign based on ACMG/AMP sequence variant interpretation guidelines (Richards et al. 2015 PMID: 25741868, with internal and published modifications).

Mayo Clinic Laboratories, Mayo Clinic
Classification: Likely benign. Last evaluated: 2025-08-19. Review status: criteria provided, single submitter. Criteria: ACMG Guidelines, 2015. Collection method: clinical testing. Allele origin: germline. Observed: 6 variant alleles.

Illumina Laboratory Services, Illumina
Classification: Uncertain significance for Mitochondrial complex III deficiency nuclear type 2. Last evaluated: 2017-04-27. Review status: criteria provided, single submitter. Criteria: ICSL Variant Classification Criteria 13 December 2019. Collection method: clinical testing. Allele origin: germline.

GeneDx
Classification: Benign. Last evaluated: 2013-02-19. Review status: criteria provided, single submitter. Criteria: GeneDx Variant Classification (06012015). Collection method: clinical testing. Allele origin: germline. Affected: yes.
Comment: This variant is considered likely benign or benign based on one or more of the following criteria: it is a conservative change, it occurs at a poorly conserved position in the protein, it is predicted to be benign by multiple in silico algorithms, and/or has population frequency not consistent with disease.

Dr. Peter K. Rogan Lab, Western University
No classification provided (evidence only). Condition: Lung cancer. Review status: no classification provided. Collection method: in vitro. Allele origin: not applicable. Functional consequence: retained intron. Not counted in ClinVar's aggregate classification.

NM_017775.4(TTC19):c.-1C>T

Genes: TTC19 (tetratricopeptide repeat domain 19; plus strand), LOC130060311 (ATAC-STARR-seq lymphoblastoid silent region 8214; plus strand). Cytogenetic location: 17p12.
Variant type: single nucleotide variant.
Coding change: c.-1C>T on transcript NM_017775.4 (MANE Select); 1 bases upstream of the start codon, C replaced by T.
Molecular consequence: 5 prime UTR variant.
Genome position (GRCh38, 1-based): chr17:15,999,848, C>T. VCF-style: chr17-15999848-C-T. GRCh37 (hg19) VCF-style: chr17-15903162-C-T.
Other names: p.S121S:AGC>AGT; NC_000017.10:g.15903162C>T; c.-459C>T (NM_001271420.2).
Identifiers: ClinVar variation 137773 (VCV000137773.8), dbSNP rs2302414, ClinGen allele CA291431.